The following is an entry in ClinVar:

NM_001365951.3(KIF1B):c.4779C>A (p.Phe1593Leu)

Gene: KIF1B (kinesin family member 1B; plus strand). Cytogenetic location: 1p36.22.
Variant type: single nucleotide variant.
Coding change: c.4779C>A on transcript NM_001365951.3 (MANE Select); coding-DNA position 4779, C replaced by A.
Protein change: p.Phe1593Leu; replaces phenylalanine 1593 with leucine.
Molecular consequence: missense variant.
Genome position (GRCh38, 1-based): chr1:10,368,493, C>A. VCF-style: chr1-10368493-C-A. GRCh37 (hg19) VCF-style: chr1-10428551-C-A.
Other names: c.4779C>A, p.Phe1593Leu (NM_001365952.1); c.4641C>A, p.Phe1547Leu (NM_015074.3); short protein forms F1547L, F1593L.
Identifiers: ClinVar variation 1742111 (VCV001742111.6), dbSNP rs766475937, ClinGen allele CA582177.

ClinVar aggregate classification (germline): Uncertain significance. Review status: criteria provided, multiple submitters, no conflicts (2 of 4 stars). 2 submissions from 2 submitters: Uncertain significance (2). Last evaluated 2025-11-05.

Conditions:
Charcot-Marie-Tooth disease type 2. Also called: Charcot-Marie-Tooth type 2. Identifiers: Orphanet 64746, MedGen C0270914, MONDO:0018993.

gnomAD v4.1: 29 of 1,613,946 alleles (0.0018%); highest among the groups gnomAD compares: Non-Finnish European, 0.0025%; no homozygotes.

Submissions (2):

Labcorp Genetics (formerly Invitae), Labcorp
Classification: Uncertain significance for Charcot-Marie-Tooth disease type 2. Last evaluated: 2025-11-05. Review status: criteria provided, single submitter. Criteria: Invitae Variant Classification Sherloc (09022015). Collection method: clinical testing. Allele origin: germline.
Comment: This sequence change replaces phenylalanine, which is neutral and non-polar, with leucine, which is neutral and non-polar, at codon 1547 of the KIF1B protein (p.Phe1547Leu). This variant is present in population databases (rs766475937, gnomAD 0.0009%). This variant has not been reported in the literature in individuals affected with KIF1B-related conditions. ClinVar contains an entry for this variant (Variation ID: 1742111). An algorithm developed to predict the effect of missense changes on protein structure and function (PolyPhen-2) suggests that this variant is likely to be disruptive. In summary, the available evidence is currently insufficient to determine the role of this variant in disease. Therefore, it has been classified as a Variant of Uncertain Significance.

Ambry Genetics
Classification: Uncertain significance. Last evaluated: 2025-09-18. Review status: criteria provided, single submitter. Criteria: Ambry Variant Classification Scheme 2023. Collection method: clinical testing. Allele origin: germline.
Comment: The p.F1547L variant (also known as c.4641C>A), located in coding exon 41 of the KIF1B gene, results from a C to A substitution at nucleotide position 4641. The phenylalanine at codon 1547 is replaced by leucine, an amino acid with highly similar properties. This amino acid position is highly conserved in available vertebrate species. In addition, the in silico prediction for this alteration is inconclusive. Since supporting evidence is limited at this time, the clinical significance of this alteration remains unclear.